The following is an entry in ClinVar:

NM_001556.3(IKBKB):c.800+3A>G

Gene: IKBKB (inhibitor of nuclear factor kappa B kinase subunit beta; plus strand). Cytogenetic location: 8p11.21.
Variant type: single nucleotide variant.
Coding change: c.800+3A>G on transcript NM_001556.3 (MANE Select); 3 bases into the intron after coding-DNA position 800, A replaced by G.
Molecular consequence: intron variant.
Genome position (GRCh38, 1-based): chr8:42,314,432, A>G. VCF-style: chr8-42314432-A-G. GRCh37 (hg19) VCF-style: chr8-42171950-A-G.
Other names: c.623+3A>G (NM_001242778.2); c.608+3A>G (NM_001190720.3).
Identifiers: ClinVar variation 662271 (VCV000662271.4), dbSNP rs1324740567, ClinGen allele CA851884118.

ClinVar aggregate classification (germline): Uncertain significance (1 of 4 stars; one submission).

Conditions:
Severe combined immunodeficiency due to IKK2 deficiency. Also called: IMMUNODEFICIENCY 15B; Immunodeficiency 15. Identifiers: Orphanet 397787, MedGen C4747743, MONDO:0014267, OMIM 615592.

Allele frequency attached by ClinVar (database versions not stated): TOPMed below 0.00001.

Submission:

Labcorp Genetics (formerly Invitae), Labcorp
Classification: Uncertain significance for Severe combined immunodeficiency due to IKK2 deficiency. Last evaluated: 2023-06-25. Review status: criteria provided, single submitter. Criteria: Invitae Variant Classification Sherloc (09022015). Collection method: clinical testing. Allele origin: germline.
Comment: Variants that disrupt the consensus splice site are a relatively common cause of aberrant splicing (PMID: 17576681, 9536098). Algorithms developed to predict the effect of sequence changes on RNA splicing suggest that this variant is not likely to affect RNA splicing. This sequence change falls in intron 9 of the IKBKB gene. It does not directly change the encoded amino acid sequence of the IKBKB protein. It affects a nucleotide within the consensus splice site. This variant is not present in population databases (gnomAD no frequency). This variant has not been reported in the literature in individuals affected with IKBKB-related conditions. ClinVar contains an entry for this variant (Variation ID: 662271). In summary, the available evidence is currently insufficient to determine the role of this variant in disease. Therefore, it has been classified as a Variant of Uncertain Significance.

Literature cited by the submitters: PubMed 17576681; PubMed 9536098.